The following is an entry in ClinVar:

NM_004055.5(CAPN5):c.1740+1G>A

Gene: CAPN5 (calpain 5; plus strand). Cytogenetic location: 11q13.5.
Variant type: single nucleotide variant.
Coding change: c.1740+1G>A on transcript NM_004055.5 (MANE Select); the canonical splice donor site of the intron after coding-DNA position 1740, G replaced by A.
Molecular consequence: splice donor variant.
Genome position (GRCh38, 1-based): chr11:77,122,713, G>A. VCF-style: chr11-77122713-G-A. GRCh37 (hg19) VCF-style: chr11-76833759-G-A.
Identifiers: ClinVar variation 2040044 (VCV002040044.4), dbSNP rs2496315178, ClinGen allele CA381944822.

ClinVar aggregate classification (germline): Uncertain significance (1 of 4 stars; one submission).

Submission:

Labcorp Genetics (formerly Invitae), Labcorp
Classification: Uncertain significance. Last evaluated: 2021-12-11. Review status: criteria provided, single submitter. Criteria: Invitae Variant Classification Sherloc (09022015). Collection method: clinical testing. Allele origin: germline.
Comment: This sequence change falls in intron 12 of the CAPN5 gene. It does not directly change the encoded amino acid sequence of the CAPN5 protein. It affects a nucleotide within the consensus splice site. This variant is not present in population databases (gnomAD no frequency). In summary, the available evidence is currently insufficient to determine the role of this variant in disease. Therefore, it has been classified as a Variant of Uncertain Significance. Variants that disrupt the consensus splice site are a relatively common cause of aberrant splicing (PMID: 17576681, 9536098). Algorithms developed to predict the effect of sequence changes on RNA splicing suggest that this variant may disrupt the consensus splice site. This variant has not been reported in the literature in individuals affected with CAPN5-related conditions.

Literature cited by the submitters: PubMed 17576681; PubMed 9536098.